The following is an entry in ClinVar:

ClinVar aggregate classification (germline): Benign. Review status: criteria provided, multiple submitters, no conflicts (2 of 4 stars). 5 submissions from 5 submitters: Benign (5). Last evaluated 2026-02-01.

Conditions:
Age related macular degeneration 1 (ARMD1). Also called: MACULOPATHY, AGE-RELATED, 1. Identifiers: MedGen C1864205, MONDO:0011285, OMIM 603075.

Allele frequency attached by ClinVar (database versions not stated): 1000 Genomes Project 30x 0.00578; 1000 Genomes Project 0.00579; TOPMed 0.00792; ESP Exome Variant Server 0.00807; gnomAD 0.00887 and 0.00895; ExAC 0.00889; gnomAD exomes 0.00890 and 0.01079.
gnomAD v4.1: 17,030 of 1,612,600 alleles (1.1%); highest among the groups gnomAD compares: Non-Finnish European, 1.2%; 129 homozygotes.

Submissions (10):

Labcorp Genetics (formerly Invitae), Labcorp
Classification: Benign. Last evaluated: 2026-02-01. Review status: criteria provided, single submitter. Criteria: Invitae Variant Classification Sherloc (09022015). Collection method: clinical testing. Allele origin: germline.

CeGaT Center for Human Genetics Tuebingen
Classification: Benign. Last evaluated: 2024-08-01. Review status: criteria provided, single submitter. Criteria: CeGaT Center For Human Genetics Tuebingen Variant Classification Criteria Version 2. Collection method: clinical testing. Allele origin: germline. Affected: yes. Observed: 1 variant allele.
Comment: HMCN1: BP4, BS1, BS2

Genome-Nilou Lab
Classification: Benign for Age related macular degeneration 1. Last evaluated: 2023-04-11. Review status: criteria provided, single submitter. Criteria: ACMG Guidelines, 2015. Collection method: clinical testing. Allele origin: germline. Affected: no.

Illumina Laboratory Services, Illumina
Classification: Benign for Age related macular degeneration 1. Last evaluated: 2018-01-13. Review status: criteria provided, single submitter. Criteria: ICSL Variant Classification Criteria 13 December 2019. Collection method: clinical testing. Allele origin: germline.
Comment: This variant was observed in the ICSL laboratory as part of a predisposition screen in an ostensibly healthy population. It had not been previously curated by ICSL or reported in the Human Gene Mutation Database (HGMD: prior to June 1st, 2018), and was therefore a candidate for classification through an automated scoring system. Utilizing variant allele frequency, disease prevalence and penetrance estimates, and inheritance mode, an automated score was calculated to assess if this variant is too frequent to cause the disease. Based on the score and internal cut-off values, a variant classified as benign is not then subjected to further curation. The score for this variant resulted in a classification of benign for this disease.

Breakthrough Genomics
Classification: Benign. Review status: criteria provided, single submitter. Criteria: ACMG Guidelines, 2015. Collection method: not provided. Allele origin: germline. Inheritance: Autosomal dominant inheritance. Affected: yes.

Dr. Peter K. Rogan Lab, Western University
No classification provided (evidence only). Condition: Clear cell carcinoma of kidney. Review status: no classification provided. Collection method: in vitro. Allele origin: not applicable. Functional consequence: retained intron. Not counted in ClinVar's aggregate classification.

Dr. Peter K. Rogan Lab, Western University
No classification provided (evidence only). Condition: Lung cancer. Review status: no classification provided. Collection method: in vitro. Allele origin: not applicable. Functional consequence: retained intron. Not counted in ClinVar's aggregate classification.

Dr. Peter K. Rogan Lab, Western University
No classification provided (evidence only). Condition: Ovarian serous cystadenocarcinoma. Review status: no classification provided. Collection method: in vitro. Allele origin: not applicable. Functional consequence: retained intron. Not counted in ClinVar's aggregate classification.

Dr. Peter K. Rogan Lab, Western University
No classification provided (evidence only). Condition: Gastric cancer. Review status: no classification provided. Collection method: in vitro. Allele origin: not applicable. Functional consequence: retained intron. Not counted in ClinVar's aggregate classification.

Dr. Peter K. Rogan Lab, Western University
No classification provided (evidence only). Condition: Gastric cancer. Review status: no classification provided. Collection method: in vitro. Allele origin: not applicable. Functional consequence: retained intron. Not counted in ClinVar's aggregate classification.

NM_031935.3(HMCN1):c.13040-3C>T

Gene: HMCN1 (hemicentin 1; plus strand). Cytogenetic location: 1q31.1.
Variant type: single nucleotide variant.
Coding change: c.13040-3C>T on transcript NM_031935.3 (MANE Select); 3 bases into the intron before coding-DNA position 13040, C replaced by T.
Molecular consequence: intron variant.
Genome position (GRCh38, 1-based): chr1:186,130,504, C>T. VCF-style: chr1-186130504-C-T. GRCh37 (hg19) VCF-style: chr1-186099636-C-T.
Identifiers: ClinVar variation 294259 (VCV000294259.33), dbSNP rs41317493, ClinGen allele CA1294536.